The following is an entry in ClinVar:

ClinVar aggregate classification (germline): Uncertain significance. Review status: criteria provided, multiple submitters, no conflicts (2 of 4 stars). 2 submissions from 2 submitters: Uncertain significance (2). Last evaluated 2025-08-08.

Conditions:
Neurofibromatosis, type 2 (SWNV). Also called: BILATERAL ACOUSTIC NEUROFIBROMATOSIS; NF2-Related Schwannomatosis; SCHWANNOMATOSIS, VESTIBULAR. Identifiers: Orphanet 637, MedGen C0027832, MONDO:0007039, OMIM 101000. Disease mechanism: loss of function.
Hereditary cancer-predisposing syndrome. Also called: Tumor predisposition; Neoplastic Syndromes, Hereditary; Hereditary Cancer Syndrome; Hereditary neoplastic syndrome. Identifiers: Orphanet 140162, MedGen C0027672, MeSH D009386, MONDO:0015356.

Submissions (2):

Ambry Genetics
Classification: Uncertain significance for Hereditary cancer-predisposing syndrome. Last evaluated: 2025-08-08. Review status: criteria provided, single submitter. Criteria: Ambry Variant Classification Scheme 2023. Collection method: clinical testing. Allele origin: germline.
Comment: The p.E167A variant (also known as c.500A>C), located in coding exon 5 of the NF2 gene, results from an A to C substitution at nucleotide position 500. The glutamic acid at codon 167 is replaced by alanine, an amino acid with dissimilar properties. This amino acid position is conserved. In addition, this alteration is predicted to be deleterious by in silico analysis. Based on the available evidence, the clinical significance of this variant remains unclear.

Labcorp Genetics (formerly Invitae), Labcorp
Classification: Uncertain significance for Neurofibromatosis, type 2. Last evaluated: 2025-07-15. Review status: criteria provided, single submitter. Criteria: Invitae Variant Classification Sherloc (09022015). Collection method: clinical testing. Allele origin: germline.
Comment: This sequence change replaces glutamic acid, which is acidic and polar, with alanine, which is neutral and non-polar, at codon 167 of the NF2 protein (p.Glu167Ala). This variant is not present in population databases (gnomAD no frequency). This variant has not been reported in the literature in individuals affected with NF2-related conditions. Invitae Evidence Modeling of protein sequence and biophysical properties (such as structural, functional, and spatial information, amino acid conservation, physicochemical variation, residue mobility, and thermodynamic stability) has been performed for this missense variant. However, the output from this modeling did not meet the statistical confidence thresholds required to predict the impact of this variant on NF2 protein function. In summary, the available evidence is currently insufficient to determine the role of this variant in disease. Therefore, it has been classified as a Variant of Uncertain Significance.

NM_000268.4(NF2):c.500A>C (p.Glu167Ala)

Gene: NF2 (NF2, moesin-ezrin-radixin like (MERLIN) tumor suppressor; plus strand). Cytogenetic location: 22q12.2.
Variant type: single nucleotide variant.
Coding change: c.500A>C on transcript NM_000268.4 (MANE Select); coding-DNA position 500, A replaced by C.
Protein change: p.Glu167Ala; replaces glutamic acid 167 with alanine.
Molecular consequence: missense variant. On other transcripts: 5 prime UTR variant (1), intron variant (1).
Genome position (GRCh38, 1-based): chr22:29,654,709, A>C. VCF-style: chr22-29654709-A-C. GRCh37 (hg19) VCF-style: chr22-30050698-A-C.
Other names: c.386A>C, p.Glu129Ala (NM_001407053.1, NM_001407056.1); c.377A>C, p.Glu126Ala (NM_001407054.1, NM_001407058.1, NM_001407062.1 and 1 more transcripts); c.374A>C, p.Glu125Ala (NM_001407055.1, NM_181828.3); c.500A>C, p.Glu167Ala (NM_001407057.1, NM_001407059.1, NM_001407060.1 and 4 more transcripts); c.251A>C, p.Glu84Ala (NM_001407063.1, NM_001407064.1, NM_181830.3 and 1 more transcripts); c.-141A>C (NM_001407065.1); c.269A>C, p.Glu90Ala (NM_001407067.1); c.447+12424A>C (NM_181833.3); short protein forms E126A, E167A, E90A, E129A, E84A, E125A.
Identifiers: ClinVar variation 4119203 (VCV004119203.2).
Genomic context (GRCh38, chr22:29,654,709, plus strand): 5'-CTTTCCAGTATGGTGACTACGACCCCAGTGTTCACAAGCGGGGATTTTTGGCCCAAGAGG[A>C]ATTGCTTCCAAAAAGGGTAAGAGATTAAATTCCCTTTTCAGGAAGACATAGCAGATATGT-3'
Protein context (NP_000259.1, residues 157-177): VHKRGFLAQE[Glu167Ala]LLPKRVINLY